The following is an entry in ClinVar:

ClinVar aggregate classification (germline): Uncertain significance. Review status: criteria provided, multiple submitters, no conflicts (2 of 4 stars). 3 submissions from 3 submitters: Uncertain significance (3). Last evaluated 2024-07-15.

Conditions:
Hereditary cancer-predisposing syndrome. Also called: Tumor predisposition; Neoplastic Syndromes, Hereditary; Hereditary neoplastic syndrome; Hereditary Cancer Syndrome. Identifiers: Orphanet 140162, MedGen C0027672, MeSH D009386, MONDO:0015356.
Familial cancer of breast. Also called: hereditary breast carcinoma; BREAST CANCER, FAMILIAL; Hereditary breast cancer. Identifiers: Orphanet 227535, MedGen C0346153, MONDO:0016419, OMIM 114480. Disease mechanism: loss of function.

Allele frequency attached by ClinVar (database versions not stated): gnomAD exomes below 0.00001; TOPMed below 0.00001; gnomAD 0.00001.
gnomAD v4.1: 4 of 1,613,824 alleles (0.00025%); highest among the groups gnomAD compares: Non-Finnish European, 0.00034%; no homozygotes.

Submissions (3):

Ambry Genetics
Classification: Uncertain significance for Hereditary cancer-predisposing syndrome. Last evaluated: 2024-07-15. Review status: criteria provided, single submitter. Criteria: Ambry Variant Classification Scheme 2023. Collection method: clinical testing. Allele origin: germline.
Comment: The p.W629R variant (also known as c.1885T>A), located in coding exon 9 of the BARD1 gene, results from a T to A substitution at nucleotide position 1885. The tryptophan at codon 629 is replaced by arginine, an amino acid with dissimilar properties. In one study, this alteration was observed in 1/3431 controls while absent in the 3236 cases with invasive epithelial ovarian cancer (Ramus SJ et al. J. Natl. Cancer Inst., 2015 Nov;107:). This amino acid position is highly conserved in available vertebrate species. In addition, this alteration is predicted to be deleterious by in silico analysis. Since supporting evidence is limited at this time, the clinical significance of this alteration remains unclear.

Labcorp Genetics (formerly Invitae), Labcorp
Classification: Uncertain significance for Familial cancer of breast. Last evaluated: 2022-12-23. Review status: criteria provided, single submitter. Criteria: Invitae Variant Classification Sherloc (09022015). Collection method: clinical testing. Allele origin: germline.
Comment: In summary, the available evidence is currently insufficient to determine the role of this variant in disease. Therefore, it has been classified as a Variant of Uncertain Significance. Algorithms developed to predict the effect of missense changes on protein structure and function (SIFT, PolyPhen-2, Align-GVGD) all suggest that this variant is likely to be disruptive. ClinVar contains an entry for this variant (Variation ID: 631131). This variant has not been reported in the literature in individuals affected with BARD1-related conditions. This variant is not present in population databases (gnomAD no frequency). This sequence change replaces tryptophan, which is neutral and slightly polar, with arginine, which is basic and polar, at codon 629 of the BARD1 protein (p.Trp629Arg).

Color Diagnostics, LLC DBA Color Health
Classification: Uncertain significance for Hereditary cancer-predisposing syndrome. Last evaluated: 2019-06-23. Review status: criteria provided, single submitter. Criteria: ACMG Guidelines, 2015. Collection method: clinical testing. Allele origin: germline.

Literature cited by the submitters: PubMed 26315354 (cited by Ambry Genetics).

NM_000465.4(BARD1):c.1885T>A (p.Trp629Arg)

Gene: BARD1 (BRCA1 associated RING domain 1; minus strand). Cytogenetic location: 2q35.
Variant type: single nucleotide variant.
Coding change: c.1885T>A on transcript NM_000465.4 (MANE Select); coding-DNA position 1885, T replaced by A.
Protein change: p.Trp629Arg; replaces tryptophan 629 with arginine.
Molecular consequence: missense variant. On other transcripts: non-coding transcript variant (3), intron variant (1).
Genome position (GRCh38, 1-based): chr2:214,745,085, A>T on the plus strand (T>A on the coding strand, the complement: BARD1 is on the minus strand). VCF-style: chr2-214745085-A-T. GRCh37 (hg19) VCF-style: chr2-215609809-A-T.
Other names: c.1828T>A, p.Trp610Arg (NM_001282543.2); c.532T>A, p.Trp178Arg (NM_001282545.2); c.475T>A, p.Trp159Arg (NM_001282548.2); c.365-14577T>A (NM_001282549.2); short protein forms W629R, W178R, W159R, W610R.
Identifiers: ClinVar variation 631131 (VCV000631131.13), dbSNP rs1020097535, ClinGen allele CA64802329.